The following is an entry in ClinVar:

NM_003803.4(MYOM1):c.4172G>T (p.Trp1391Leu)

Gene: MYOM1 (myomesin 1; minus strand). Cytogenetic location: 18p11.31.
Variant type: single nucleotide variant.
Coding change: c.4172G>T on transcript NM_003803.4 (MANE Select); coding-DNA position 4172, G replaced by T.
Protein change: p.Trp1391Leu; replaces tryptophan 1391 with leucine.
Molecular consequence: missense variant.
Genome position (GRCh38, 1-based): chr18:3,086,117, C>A on the plus strand (G>T on the coding strand, the complement: MYOM1 is on the minus strand). VCF-style: chr18-3086117-C-A. GRCh37 (hg19) VCF-style: chr18-3086115-C-A.
Other names: c.3884G>T, p.Trp1295Leu (NM_019856.2); short protein forms W1295L, W1391L.
Identifiers: ClinVar variation 4115974 (VCV004115974.1).

ClinVar aggregate classification (germline): Uncertain significance (1 of 4 stars; one submission).

Submission:

Ambry Genetics
Classification: Uncertain significance. Last evaluated: 2025-07-24. Review status: criteria provided, single submitter. Criteria: Ambry Variant Classification Scheme 2023. Collection method: clinical testing. Allele origin: germline.
Comment: The p.W1391L variant (also known as c.4172G>T), located in coding exon 29 of the MYOM1 gene, results from a G to T substitution at nucleotide position 4172. The tryptophan at codon 1391 is replaced by leucine, an amino acid with similar properties. This amino acid position is conserved. In addition, this alteration is predicted to be deleterious by in silico analysis. Based on the available evidence, the clinical significance of this variant remains unclear.